The following is an entry in ClinVar:

ClinVar aggregate classification (germline): Conflicting classifications of pathogenicity. Review status: criteria provided, conflicting classifications (1 of 4 stars). 4 submissions from 4 submitters: Uncertain significance (1); Likely benign (2). 1 of the submissions does not count toward it. Last evaluated 2025-11-10.

Conditions:
PLEC-related disorder. Also called: PLEC-related condition; PLEC-related disorders.
Epidermolysis bullosa simplex with nail dystrophy (EBS5D). Identifiers: MedGen C4225309, MONDO:0014661, OMIM 616487.
Epidermolysis bullosa simplex 5B, with muscular dystrophy (EBS5B). Also called: Epidermolysis bullosa simplex with muscular dystrophy; EPIDERMOLYSIS BULLOSA SIMPLEX AND LIMB-GIRDLE MUSCULAR DYSTROPHY. Identifiers: Orphanet 257, MedGen C2931072, MONDO:0009181, OMIM 226670.
Autosomal recessive limb-girdle muscular dystrophy type 2Q (LGMDR17). Also called: MUSCULAR DYSTROPHY, LIMB-GIRDLE, AUTOSOMAL RECESSIVE 17. Identifiers: Orphanet 254361, MedGen C3150989, MONDO:0013390, OMIM 613723.
Epidermolysis bullosa simplex 5C, with pyloric atresia (EBS5C). Also called: PLEC1-Related Epidermolysis Bullosa with Pyloric Atresia; PLEC-Related Epidermolysis Bullosa with Pyloric Atresia; Epidermolysis bullosa simplex with pyloric atresia. Identifiers: Orphanet 158684, MedGen C2677349, MONDO:0012807, OMIM 612138.
Epidermolysis bullosa simplex, Ogna type (EBS5A). Also called: EPIDERMOLYSIS BULLOSA SIMPLEX 5A, OGNA TYPE; Pidermolysis bullosa simplex 5A, Ogna type. Identifiers: Orphanet 79401, MedGen C0432317, MONDO:0007555, OMIM 131950.

Allele frequency attached by ClinVar (database versions not stated): TOPMed 0.00010.
gnomAD v4.1: 233 of 1,596,298 alleles (0.015%); highest among the groups gnomAD compares: Non-Finnish European, 0.019%; no homozygotes.

Submissions (4):

Labcorp Genetics (formerly Invitae), Labcorp
Classification: Likely benign for Autosomal recessive limb-girdle muscular dystrophy type 2Q; Epidermolysis bullosa simplex, Ogna type; Epidermolysis bullosa simplex with nail dystrophy; Epidermolysis bullosa simplex 5C, with pyloric atresia; Epidermolysis bullosa simplex 5B, with muscular dystrophy. Last evaluated: 2025-11-10. Review status: criteria provided, single submitter. Criteria: Invitae Variant Classification Sherloc (09022015). Collection method: clinical testing. Allele origin: germline.

Blueprint Genetics
Classification: Likely benign. Last evaluated: 2024-11-21. Review status: criteria provided, single submitter. Criteria: ACMG Guidelines, 2015. Collection method: clinical testing. Allele origin: germline.

Eurofins Ntd Llc (ga)
Classification: Uncertain significance. Last evaluated: 2015-04-10. Review status: criteria provided, single submitter. Criteria: EGL Classification Definitions 2015. Collection method: clinical testing. Allele origin: germline. Observed: 1 variant allele, 1 heterozygote.

PreventionGenetics, part of Exact Sciences
Classification: Likely benign for PLEC-related condition. Last evaluated: 2024-04-19. Review status: no assertion criteria provided. Collection method: clinical testing. Allele origin: germline. Not counted in ClinVar's aggregate classification.
Comment: This variant is classified as likely benign based on ACMG/AMP sequence variant interpretation guidelines (Richards et al. 2015 PMID: 25741868, with internal and published modifications).

NM_201384.3(PLEC):c.11724G>T (p.Ala3908=)

Gene: PLEC (plectin; minus strand). Cytogenetic location: 8q24.3.
Variant type: single nucleotide variant.
Coding change: c.11724G>T on transcript NM_201384.3 (MANE Select); coding-DNA position 11724, G replaced by T.
Protein change: p.Ala3908=; no amino-acid change (alanine 3908 retained).
Molecular consequence: synonymous variant.
Genome position (GRCh38, 1-based): chr8:143,918,097, C>A on the plus strand (G>T on the coding strand, the complement: PLEC is on the minus strand). VCF-style: chr8-143918097-C-A. GRCh37 (hg19) VCF-style: chr8-144992265-C-A.
Other names: c.11805G>T, p.Ala3935= (NM_000445.5); c.11682G>T, p.Ala3894= (NM_201378.4); c.11658G>T, p.Ala3886= (NM_201379.3); c.12135G>T, p.Ala4045= (NM_201380.4); c.11628G>T, p.Ala3876= (NM_201381.3); c.11724G>T, p.Ala3908= (NM_201382.4); c.11736G>T, p.Ala3912= (NM_201383.3).
Identifiers: ClinVar variation 196835 (VCV000196835.15), dbSNP rs374595008, ClinGen allele CA244415.